The following is an entry in ClinVar:

ClinVar aggregate classification (germline): Uncertain significance (1 of 4 stars; one submission).

Submission:

Labcorp Genetics (formerly Invitae), Labcorp
Classification: Uncertain significance. Last evaluated: 2022-05-25. Review status: criteria provided, single submitter. Criteria: Invitae Variant Classification Sherloc (09022015). Collection method: clinical testing. Allele origin: germline.
Comment: This sequence change replaces arginine, which is basic and polar, with glutamine, which is neutral and polar, at codon 27 of the SUGCT protein (p.Arg27Gln). This variant is not present in population databases (gnomAD no frequency). This variant has not been reported in the literature in individuals affected with SUGCT-related conditions. Algorithms developed to predict the effect of missense changes on protein structure and function output the following: SIFT: "Tolerated"; PolyPhen-2: "Not Available"; Align-GVGD: "Class C0". The glutamine amino acid residue is found in multiple mammalian species, which suggests that this missense change does not adversely affect protein function. In summary, the available evidence is currently insufficient to determine the role of this variant in disease. Therefore, it has been classified as a Variant of Uncertain Significance.

NM_001193313.2(SUGCT):c.59G>A (p.Arg20Gln)

Gene: SUGCT (succinyl-CoA:glutarate-CoA transferase; plus strand). Cytogenetic location: 7p14.1.
Variant type: single nucleotide variant.
Coding change: c.59G>A on transcript NM_001193313.2 (MANE Select); coding-DNA position 59, G replaced by A.
Protein change: p.Arg20Gln; replaces arginine 20 with glutamine.
Molecular consequence: missense variant.
Genome position (GRCh38, 1-based): chr7:40,135,079, G>A. VCF-style: chr7-40135079-G-A. GRCh37 (hg19) VCF-style: chr7-40174678-G-A.
Other names: c.59G>A, p.Arg20Gln (NM_001193311.2, NM_001193312.2, NM_024728.3); short protein forms R20Q.
Identifiers: ClinVar variation 1998698 (VCV001998698.4), dbSNP rs868059002, ClinGen allele CA157713356.
Genomic context (GRCh38, chr7:40,135,079, plus strand): 5'-CGATGCTGGCGACGCTGGCGAGGGTGGCAGCTCTGCGCAGAACCTGCCTCTTCTCCGGCC[G>A]GGGCGGCGGGAGGGGGCTGTGGACTGGCCGCCCGCAGTCAGGTACCCTCCGAGATTCGGT-3'
Protein context (NP_001180242.2, residues 10-30): ALRRTCLFSG[Arg20Gln]GGGRGLWTGR